The following is an entry in ClinVar:

NM_001080414.4(CCDC88C):c.4288G>A (p.Val1430Met)

Gene: CCDC88C (coiled-coil domain containing 88C; minus strand). Cytogenetic location: 14q32.11.
Variant type: single nucleotide variant.
Coding change: c.4288G>A on transcript NM_001080414.4 (MANE Select); coding-DNA position 4288, G replaced by A.
Protein change: p.Val1430Met; replaces valine 1430 with methionine.
Molecular consequence: missense variant.
Genome position (GRCh38, 1-based): chr14:91,289,258, C>T on the plus strand (G>A on the coding strand, the complement: CCDC88C is on the minus strand). VCF-style: chr14-91289258-C-T. GRCh37 (hg19) VCF-style: chr14-91755602-C-T.
Other names: c.4288G>A (NM_001080414.3); short protein forms V1430M.
Identifiers: ClinVar variation 1981259 (VCV001981259.2), dbSNP rs780230244, ClinGen allele CA7309054.

ClinVar aggregate classification (germline): Uncertain significance. Review status: criteria provided, multiple submitters, no conflicts (2 of 4 stars). 2 submissions from 2 submitters: Uncertain significance (2). Last evaluated 2023-09-22.

Conditions:
Inborn genetic diseases. Identifiers: MedGen C0950123, MeSH D030342.

Allele frequency attached by ClinVar (database versions not stated): gnomAD exomes 0.00001; TOPMed 0.00001; ExAC 0.00003.
gnomAD v4.1: 16 of 1,614,050 alleles (0.00099%); highest among the groups gnomAD compares: Middle Eastern, 0.016%; no homozygotes.

Submissions (2):

Ambry Genetics
Classification: Uncertain significance for Inborn genetic diseases. Last evaluated: 2023-09-22. Review status: criteria provided, single submitter. Criteria: Ambry Variant Classification Scheme 2023. Collection method: clinical testing. Allele origin: germline.

Labcorp Genetics (formerly Invitae), Labcorp
Classification: Uncertain significance. Last evaluated: 2022-07-24. Review status: criteria provided, single submitter. Criteria: Invitae Variant Classification Sherloc (09022015). Collection method: clinical testing. Allele origin: germline.
Comment: This sequence change replaces valine, which is neutral and non-polar, with methionine, which is neutral and non-polar, at codon 1430 of the CCDC88C protein (p.Val1430Met). This variant is present in population databases (rs780230244, gnomAD 0.01%). This variant has not been reported in the literature in individuals affected with CCDC88C-related conditions. Algorithms developed to predict the effect of missense changes on protein structure and function (SIFT, PolyPhen-2, Align-GVGD) all suggest that this variant is likely to be tolerated. In summary, the available evidence is currently insufficient to determine the role of this variant in disease. Therefore, it has been classified as a Variant of Uncertain Significance.